The following is an entry in ClinVar:

NM_052947.4(ALPK2):c.1904T>C (p.Met635Thr)

Gene: ALPK2 (alpha kinase 2; minus strand). Cytogenetic location: 18q21.31.
Variant type: single nucleotide variant.
Coding change: c.1904T>C on transcript NM_052947.4 (MANE Select); coding-DNA position 1904, T replaced by C.
Protein change: p.Met635Thr; replaces methionine 635 with threonine.
Molecular consequence: missense variant.
Genome position (GRCh38, 1-based): chr18:58,578,872, A>G on the plus strand (T>C on the coding strand, the complement: ALPK2 is on the minus strand). VCF-style: chr18-58578872-A-G. GRCh37 (hg19) VCF-style: chr18-56246104-A-G.
Other names: short protein forms M635T.
Identifiers: ClinVar variation 2626566 (VCV002626566.2), dbSNP rs2518898453, ClinGen allele CA402559559.

ClinVar aggregate classification (germline): Uncertain significance (1 of 4 stars; one submission).

Allele frequency attached by ClinVar (database versions not stated): gnomAD exomes below 0.00001.
gnomAD v4.1: 2 of 1,614,142 alleles (0.00012%); highest among the groups gnomAD compares: Non-Finnish European, 0.00017%; no homozygotes.

Submission:

Ambry Genetics
Classification: Uncertain significance. Last evaluated: 2023-08-25. Review status: criteria provided, single submitter. Criteria: Ambry Variant Classification Scheme 2023. Collection method: clinical testing. Allele origin: germline.
Comment: The p.M635T variant (also known as c.1904T>C), located in coding exon 3 of the ALPK2 gene, results from a T to C substitution at nucleotide position 1904. The methionine at codon 635 is replaced by threonine, an amino acid with similar properties. This amino acid position is conserved. In addition, this alteration is predicted to be tolerated by in silico analysis. Since supporting evidence is limited at this time, the clinical significance of this alteration remains unclear.